The following is an entry in ClinVar:

ClinVar aggregate classification (germline): Likely benign. Review status: criteria provided, multiple submitters, no conflicts (2 of 4 stars). 2 submissions from 2 submitters: Likely benign (2). Last evaluated 2024-11-13.

Allele frequency attached by ClinVar (database versions not stated): TOPMed 0.00002; gnomAD 0.00013; gnomAD exomes 0.00027; 1000 Genomes Project 30x 0.00078; 1000 Genomes Project 0.00100; ExAC 0.00237.
gnomAD v4.1: 402 of 1,543,740 alleles (0.026%); highest among the groups gnomAD compares: South Asian, 0.44%; 3 homozygotes.

Submissions (2):

Blueprint Genetics
Classification: Likely benign. Last evaluated: 2024-11-13. Review status: criteria provided, single submitter. Criteria: ACMG Guidelines, 2015. Collection method: clinical testing. Allele origin: germline.

CeGaT Center for Human Genetics Tuebingen
Classification: Likely benign. Last evaluated: 2024-01-01. Review status: criteria provided, single submitter. Criteria: CeGaT Center For Human Genetics Tuebingen Variant Classification Criteria Version 2. Collection method: clinical testing. Allele origin: germline. Affected: yes. Observed: 1 variant allele.
Comment: TENM4: BP4, BS1

NM_001098816.3(TENM4):c.318C>T (p.Gly106=)

Gene: TENM4 (teneurin transmembrane protein 4; minus strand). Cytogenetic location: 11q14.1.
Variant type: single nucleotide variant.
Coding change: c.318C>T on transcript NM_001098816.3 (MANE Select); coding-DNA position 318, C replaced by T.
Protein change: p.Gly106=; no amino-acid change (glycine 106 retained).
Molecular consequence: synonymous variant.
Genome position (GRCh38, 1-based): chr11:79,064,913, G>A on the plus strand (C>T on the coding strand, the complement: TENM4 is on the minus strand). VCF-style: chr11-79064913-G-A. GRCh37 (hg19) VCF-style: chr11-78775958-G-A.
Identifiers: ClinVar variation 3025433 (VCV003025433.23), dbSNP rs575986191, ClinGen allele CA6207704.